The following is an entry in ClinVar:

ClinVar aggregate classification (germline): Uncertain significance (1 of 4 stars; one submission).

Conditions:
Joubert syndrome. Also called: CEREBELLOPARENCHYMAL DISORDER IV; JOUBERT-BOLTSHAUSER SYNDROME; Familial aplasia of the vermis. Identifiers: Orphanet 475, MedGen C5979921, MONDO:0018772.
Nephronophthisis. Also called: Juvenile Nephronophthisis. Identifiers: Orphanet 655, MedGen C0687120, MONDO:0019005, HP:0000090.
Meckel-Gruber syndrome. Also called: DYSENCEPHALIA SPLANCHNOCYSTICA; GRUBER SYNDROME; Dysencephalia splachnocystica. Identifiers: Orphanet 564, MedGen C0265215, MONDO:0018921.

Submission:

Labcorp Genetics (formerly Invitae), Labcorp
Classification: Uncertain significance for Joubert syndrome; Meckel-Gruber syndrome; Nephronophthisis. Last evaluated: 2024-06-07. Review status: criteria provided, single submitter. Criteria: Invitae Variant Classification Sherloc (09022015). Collection method: clinical testing. Allele origin: germline.
Comment: This sequence change replaces arginine, which is basic and polar, with glycine, which is neutral and non-polar, at codon 2273 of the CEP290 protein (p.Arg2273Gly). This variant is not present in population databases (gnomAD no frequency). This variant has not been reported in the literature in individuals affected with CEP290-related conditions. An algorithm developed to predict the effect of missense changes on protein structure and function (PolyPhen-2) suggests that this variant is likely to be disruptive. Algorithms developed to predict the effect of sequence changes on RNA splicing suggest that this variant may disrupt the consensus splice site. In summary, the available evidence is currently insufficient to determine the role of this variant in disease. Therefore, it has been classified as a Variant of Uncertain Significance.

NM_025114.4(CEP290):c.6817A>G (p.Arg2273Gly)

Gene: CEP290 (centrosomal protein 290; minus strand). Cytogenetic location: 12q21.32.
Variant type: single nucleotide variant.
Coding change: c.6817A>G on transcript NM_025114.4 (MANE Select); coding-DNA position 6817, A replaced by G.
Protein change: p.Arg2273Gly; replaces arginine 2273 with glycine.
Molecular consequence: missense variant.
Genome position (GRCh38, 1-based): chr12:88,058,849, T>C on the plus strand (A>G on the coding strand, the complement: CEP290 is on the minus strand). VCF-style: chr12-88058849-T-C. GRCh37 (hg19) VCF-style: chr12-88452626-T-C.
Other names: short protein forms R2273G.
Identifiers: ClinVar variation 3756055 (VCV003756055.2).
Genomic context (GRCh38, chr12:88,058,849, plus strand): 5'-AAACAATGCCAAAATTTGAAATGATTAAACTTTGTACAAGTTTAAAACTCTGTTCCTACC[T>C]TGTAACCACAATGGATTTCCAGCTCTTACTGTCAGCACCTTCAAGCTGTGGACCTCTGCT-3'
Protein context (NP_079390.3, residues 2263-2283): SKSWKSIVVT[Arg2273Gly]MYETKLKELE